The following is an entry in ClinVar:

NM_138295.5(PKD1L1):c.8391C>A (p.Asp2797Glu)

Gene: PKD1L1 (polycystin 1 like 1, transient receptor potential channel interacting; minus strand). Cytogenetic location: 7p12.3.
Variant type: single nucleotide variant.
Coding change: c.8391C>A on transcript NM_138295.5 (MANE Select); coding-DNA position 8391, C replaced by A.
Protein change: p.Asp2797Glu; replaces aspartic acid 2797 with glutamic acid.
Molecular consequence: missense variant.
Genome position (GRCh38, 1-based): chr7:47,792,762, G>T on the plus strand (C>A on the coding strand, the complement: PKD1L1 is on the minus strand). VCF-style: chr7-47792762-G-T. GRCh37 (hg19) VCF-style: chr7-47832360-G-T.
Other names: short protein forms D2797E.
Identifiers: ClinVar variation 3351851 (VCV003351851.2).

ClinVar aggregate classification (germline): Uncertain significance. Review status: criteria provided, single submitter (1 of 4 stars). 2 submissions from 2 submitters: Uncertain significance (1). 1 of the submissions does not count toward it. Last evaluated 2025-12-10.

Conditions:
PKD1L1-related disorder. Also called: PKD1L1-related condition.

gnomAD v4.1: 22 of 1,613,784 alleles (0.0014%); highest among the groups gnomAD compares: African/African-American, 0.017%; no homozygotes.

Submissions (2):

Labcorp Genetics (formerly Invitae), Labcorp
Classification: Uncertain significance. Last evaluated: 2025-12-10. Review status: criteria provided, single submitter. Criteria: Invitae Variant Classification Sherloc (09022015). Collection method: clinical testing. Allele origin: germline.
Comment: This sequence change replaces aspartic acid, which is acidic and polar, with glutamic acid, which is acidic and polar, at codon 2797 of the PKD1L1 protein (p.Asp2797Glu). This variant is present in population databases (rs373272346, gnomAD 0.03%). This variant has not been reported in the literature in individuals affected with PKD1L1-related conditions. ClinVar contains an entry for this variant (Variation ID: 3351851). An algorithm developed to predict the effect of missense changes on protein structure and function (PolyPhen-2) suggests that this variant is likely to be disruptive. In summary, the available evidence is currently insufficient to determine the role of this variant in disease. Therefore, it has been classified as a Variant of Uncertain Significance.

PreventionGenetics, part of Exact Sciences
Classification: Uncertain significance for PKD1L1-related condition. Last evaluated: 2024-09-25. Review status: no assertion criteria provided. Collection method: clinical testing. Allele origin: germline. Not counted in ClinVar's aggregate classification.
Comment: The PKD1L1 c.8391C>A variant is predicted to result in the amino acid substitution p.Asp2797Glu. To our knowledge, this variant has not been reported in the literature. This variant is reported in 0.032% of alleles in individuals of African descent in gnomAD. At this time, the clinical significance of this variant is uncertain due to the absence of conclusive functional and genetic evidence.